The following is an entry in ClinVar:

ClinVar aggregate classification (germline): conflicting data from submitters (0 of 4 stars; one submission).

Submission:

ISCA site 1
Classification: conflicting data from submitters. Last evaluated: 2012-10-15. Review status: no assertion criteria provided. Collection method: clinical testing. Allele origin: unknown. Affected: yes. Observed: 2 variant alleles.
Comment: Uncertain significance(1), Likely benign (1)

Copy number variation identified through the course of routine clinical cytogenomic testing in postnatal populations, with clinical assertions as classified by the original submitter. For data from the original published study, Kaminsky, et al. 2011 (PubMed 21844811), please see nstd101.

GRCh38/hg38 4q35.2(chr4:188228704-189166614)x3

Genes: LINC01060 (long intergenic non-protein coding RNA 1060; plus strand), LINC02508 (long intergenic non-protein coding RNA 2508; plus strand), LOC101930028 (uncharacterized LOC101930028; minus strand), LOC123493254 (Sharpr-MPRA regulatory region 651; plus strand), LOC126807267 (P300/CBP strongly-dependent group 1 enhancer GRCh37_chr4:189326005-189327204; plus strand) and 8 more. Cytogenetic location: 4q35.2.
Variant type: copy number gain.
Change: copy number 3 (three copies instead of two) of chr4:188,228,704-189,166,614 (937.9 kb, GRCh38 coordinates, 1-based), cytogenetic band 4q35.2.
Identifiers: ClinVar variation 149744 (VCV000149744.3).